The following is an entry in ClinVar:

ClinVar aggregate classification (germline): Uncertain significance (1 of 4 stars; one submission).

Conditions:
Dyskeratosis congenita, autosomal dominant 2. Identifiers: MedGen C3151443, MONDO:0013521, OMIM 613989.
Idiopathic Pulmonary Fibrosis. Also called: Idiopathic fibrosing alveolitis, chronic form; idiopathic fibrosing alveolitis. Identifiers: Orphanet 2032, MedGen C1800706, MeSH D054990, MONDO:0800504.

Submission:

Labcorp Genetics (formerly Invitae), Labcorp
Classification: Uncertain significance for Dyskeratosis congenita, autosomal dominant 2; Idiopathic Pulmonary Fibrosis. Last evaluated: 2025-11-30. Review status: criteria provided, single submitter. Criteria: Invitae Variant Classification Sherloc (09022015). Collection method: clinical testing. Allele origin: germline.
Comment: This sequence change replaces leucine, which is neutral and non-polar, with glutamine, which is neutral and polar, at codon 97 of the TERT protein (p.Leu97Gln). This variant is not present in population databases (gnomAD no frequency). This variant has not been reported in the literature in individuals affected with TERT-related conditions. Invitae Evidence Modeling of protein sequence and biophysical properties (such as structural, functional, and spatial information, amino acid conservation, physicochemical variation, residue mobility, and thermodynamic stability) indicates that this missense variant is expected to disrupt TERT protein function with a positive predictive value of 95%. In summary, the available evidence is currently insufficient to determine the role of this variant in disease. Therefore, it has been classified as a Variant of Uncertain Significance.

NM_198253.3(TERT):c.290T>A (p.Leu97Gln)

Gene: TERT (telomerase reverse transcriptase; minus strand). Cytogenetic location: 5p15.33.
Variant type: single nucleotide variant.
Coding change: c.290T>A on transcript NM_198253.3 (MANE Select); coding-DNA position 290, T replaced by A.
Protein change: p.Leu97Gln; replaces leucine 97 with glutamine.
Molecular consequence: missense variant. On other transcripts: non-coding transcript variant (2).
Genome position (GRCh38, 1-based): chr5:1,294,596, A>T on the plus strand (T>A on the coding strand, the complement: TERT is on the minus strand). VCF-style: chr5-1294596-A-T. GRCh37 (hg19) VCF-style: chr5-1294711-A-T.
Other names: c.290T>A, p.Leu97Gln (NM_001193376.3); short protein forms L97Q.
Identifiers: ClinVar variation 4783688 (VCV004783688.1).